The following is an entry in ClinVar:

ClinVar aggregate classification (germline): Conflicting classifications of pathogenicity. Review status: criteria provided, conflicting classifications (1 of 4 stars). 6 submissions from 6 submitters: Uncertain significance (3); Likely benign (2). 1 of the submissions does not count toward it. Last evaluated 2025-03-02.

Conditions:
PALB2-related disorder. Also called: PALB2-related condition; PALB2-related disorders.
Hereditary cancer-predisposing syndrome. Also called: Hereditary neoplastic syndrome; Neoplastic Syndromes, Hereditary; Tumor predisposition; Hereditary Cancer Syndrome. Identifiers: Orphanet 140162, MedGen C0027672, MeSH D009386, MONDO:0015356.
Familial cancer of breast. Also called: BREAST CANCER, FAMILIAL; Hereditary breast cancer; hereditary breast carcinoma. Identifiers: Orphanet 227535, MedGen C0346153, MONDO:0016419, OMIM 114480. Disease mechanism: loss of function.

Allele frequency attached by ClinVar (database versions not stated): gnomAD exomes below 0.00001 and 0.00001.
gnomAD v4.1: 10 of 1,614,106 alleles (0.00062%); highest among the groups gnomAD compares: South Asian, 0.0011%; no homozygotes.

Submissions (6):

Labcorp Genetics (formerly Invitae), Labcorp
Classification: Uncertain significance for Familial cancer of breast. Last evaluated: 2025-03-02. Review status: criteria provided, single submitter. Criteria: Invitae Variant Classification Sherloc (09022015). Collection method: clinical testing. Allele origin: germline.
Comment: This sequence change replaces asparagine, which is neutral and polar, with serine, which is neutral and polar, at codon 366 of the PALB2 protein (p.Asn366Ser). This variant is present in population databases (rs554849907, gnomAD 0.0009%). This missense change has been observed in individual(s) with ovarian cancer (PMID: 30093976). ClinVar contains an entry for this variant (Variation ID: 185365). Invitae Evidence Modeling of protein sequence and biophysical properties (such as structural, functional, and spatial information, amino acid conservation, physicochemical variation, residue mobility, and thermodynamic stability) indicates that this missense variant is not expected to disrupt PALB2 protein function with a negative predictive value of 80%. In summary, the available evidence is currently insufficient to determine the role of this variant in disease. Therefore, it has been classified as a Variant of Uncertain Significance.

Color Diagnostics, LLC DBA Color Health
Classification: Uncertain significance for Hereditary cancer-predisposing syndrome. Last evaluated: 2024-11-05. Review status: criteria provided, single submitter. Criteria: ACMG Guidelines, 2015. Collection method: clinical testing. Allele origin: germline.
Comment: This missense variant replaces asparagine with serine at codon 366 of the PALB2 protein. Computational prediction suggests that this variant may not impact protein structure and function. To our knowledge, functional studies have not been reported for this variant. This variant has been reported in one individual each affected with breast or ovarian cancer (PMID: 29522266, 30093976), and it has been reported in a ovarian cancer case-control study in 1/3431 unaffected control individuals and absent in 3236 cases (PMID: 26315354). This variant has been identified in 1/251372 chromosomes in the general population by the Genome Aggregation Database (gnomAD). The available evidence is insufficient to determine the role of this variant in disease conclusively. Therefore, this variant is classified as a Variant of Uncertain Significance.

GeneDx
Classification: Uncertain significance. Last evaluated: 2024-07-30. Review status: criteria provided, single submitter. Criteria: GeneDx Variant Classification Process June 2021. Collection method: clinical testing. Allele origin: germline. Affected: yes.
Comment: Not observed at significant frequency in large population cohorts (gnomAD); In silico analysis indicates that this missense variant does not alter protein structure/function; This variant is associated with the following publications: (PMID: 30093976, 29522266, 26315354)

Myriad Genetics, Inc.
Classification: Likely benign for Familial cancer of breast. Last evaluated: 2024-06-05. Review status: criteria provided, single submitter. Criteria: Myriad Autosomal Dominant, Autosomal Recessive and X-Linked Classification Criteria (2023). Collection method: clinical testing. Allele origin: unknown.
Comment: This variant is considered likely benign. This variant is strongly associated with less severe personal and family histories of cancer, typical for individuals without pathogenic variants in this gene [PMID: 25085752].

Ambry Genetics
Classification: Likely benign for Hereditary cancer-predisposing syndrome. Last evaluated: 2024-03-21. Review status: criteria provided, single submitter. Criteria: Ambry Variant Classification Scheme 2023. Collection method: clinical testing. Allele origin: germline.

PreventionGenetics, part of Exact Sciences
Classification: Uncertain significance for PALB2-related condition. Last evaluated: 2023-12-13. Review status: no assertion criteria provided. Collection method: clinical testing. Allele origin: germline. Not counted in ClinVar's aggregate classification.
Comment: The PALB2 c.1097A>G variant is predicted to result in the amino acid substitution p.Asn366Ser. This variant was reported in individuals with breast and/or ovarian cancer (Table S2, Chan et al. 2018. PubMed ID: 30093976; Table S1, Hauke et al. 2018. PubMed ID: 29522266). It has also been reported in a control individual from an ovarian cancer cohort study (Table S4, Ramus et al. 2015. PubMed ID: 26315354). This variant is reported in 0.00088% of alleles in individuals of European (Non-Finnish) descent in gnomAD. It is interpreted as uncertain significance in ClinVar. At this time, the clinical significance of this variant is uncertain due to the absence of conclusive functional and genetic evidence.

Literature cited by the submitters: PubMed 30093976 (cited by 3 submitters); PubMed 26315354 (cited by Color Diagnostics, LLC DBA Color Health and Ambry Genetics); PubMed 29522266 (cited by Color Diagnostics, LLC DBA Color Health and Ambry Genetics); PubMed 25085752 (cited by Myriad Genetics, Inc.).

NM_024675.4(PALB2):c.1097A>G (p.Asn366Ser)

Gene: PALB2 (partner and localizer of BRCA2; minus strand). Cytogenetic location: 16p12.2.
Variant type: single nucleotide variant.
Coding change: c.1097A>G on transcript NM_024675.4 (MANE Select); coding-DNA position 1097, A replaced by G.
Protein change: p.Asn366Ser; replaces asparagine 366 with serine.
Molecular consequence: missense variant.
Genome position (GRCh38, 1-based): chr16:23,635,449, T>C on the plus strand (A>G on the coding strand, the complement: PALB2 is on the minus strand). VCF-style: chr16-23635449-T-C. GRCh37 (hg19) VCF-style: chr16-23646770-T-C.
Other names: short protein forms N366S.
Identifiers: ClinVar variation 185365 (VCV000185365.22), dbSNP rs554849907, ClinGen allele CA191737.